The following is an entry in ClinVar:

ClinVar aggregate classification (germline): Uncertain significance (1 of 4 stars; one submission).

gnomAD v4.1: 4 of 1,614,114 alleles (0.00025%); highest among the groups gnomAD compares: Non-Finnish European, 0.00034%; no homozygotes.

Submission:

Labcorp Genetics (formerly Invitae), Labcorp
Classification: Uncertain significance. Last evaluated: 2025-04-17. Review status: criteria provided, single submitter. Criteria: Invitae Variant Classification Sherloc (09022015). Collection method: clinical testing. Allele origin: germline.
Comment: This sequence change replaces arginine, which is basic and polar, with glycine, which is neutral and non-polar, at codon 1561 of the MYH3 protein (p.Arg1561Gly). This variant is present in population databases (no rsID available, gnomAD 0.0009%). This variant has not been reported in the literature in individuals affected with MYH3-related conditions. Invitae Evidence Modeling of protein sequence and biophysical properties (such as structural, functional, and spatial information, amino acid conservation, physicochemical variation, residue mobility, and thermodynamic stability) indicates that this missense variant is not expected to disrupt MYH3 protein function with a negative predictive value of 95%. In summary, the available evidence is currently insufficient to determine the role of this variant in disease. Therefore, it has been classified as a Variant of Uncertain Significance.

NM_002470.4(MYH3):c.4681C>G (p.Arg1561Gly)

Gene: MYH3 (myosin heavy chain 3; minus strand). Cytogenetic location: 17p13.1.
Variant type: single nucleotide variant.
Coding change: c.4681C>G on transcript NM_002470.4 (MANE Select); coding-DNA position 4681, C replaced by G.
Protein change: p.Arg1561Gly; replaces arginine 1561 with glycine.
Molecular consequence: missense variant.
Genome position (GRCh38, 1-based): chr17:10,632,751, G>C on the plus strand (C>G on the coding strand, the complement: MYH3 is on the minus strand). VCF-style: chr17-10632751-G-C. GRCh37 (hg19) VCF-style: chr17-10536068-G-C.
Other names: short protein forms R1561G.
Identifiers: ClinVar variation 4742923 (VCV004742923.1).